The following is an entry in ClinVar:

NM_032043.3(BRIP1):c.664A>G (p.Lys222Glu)

Gene: BRIP1 (BRCA1 interacting DNA helicase 1; minus strand). Cytogenetic location: 17q23.2.
Variant type: single nucleotide variant.
Coding change: c.664A>G on transcript NM_032043.3 (MANE Select); coding-DNA position 664, A replaced by G.
Protein change: p.Lys222Glu; replaces lysine 222 with glutamic acid.
Molecular consequence: missense variant.
Genome position (GRCh38, 1-based): chr17:61,808,721, T>C on the plus strand (A>G on the coding strand, the complement: BRIP1 is on the minus strand). VCF-style: chr17-61808721-T-C. GRCh37 (hg19) VCF-style: chr17-59886082-T-C.
Other names: short protein forms K222E.
Identifiers: ClinVar variation 3228142 (VCV003228142.1), dbSNP rs1603346983, ClinGen allele CA400485180.

ClinVar aggregate classification (germline): Uncertain significance (1 of 4 stars; one submission).

Conditions:
Hereditary cancer-predisposing syndrome. Also called: Neoplastic Syndromes, Hereditary; Tumor predisposition; Hereditary neoplastic syndrome; Hereditary Cancer Syndrome. Identifiers: Orphanet 140162, MedGen C0027672, MeSH D009386, MONDO:0015356.

Submission:

Ambry Genetics
Classification: Uncertain significance for Hereditary cancer-predisposing syndrome. Last evaluated: 2024-03-14. Review status: criteria provided, single submitter. Criteria: Ambry Variant Classification Scheme 2023. Collection method: clinical testing. Allele origin: germline.
Comment: The p.K222E variant (also known as c.664A>G), located in coding exon 6 of the BRIP1 gene, results from an A to G substitution at nucleotide position 664. The lysine at codon 222 is replaced by glutamic acid, an amino acid with similar properties. This amino acid position is conserved. In addition, this alteration is predicted to be tolerated by in silico analysis. Based on the available evidence, the clinical significance of this alteration remains unclear.